The following is an entry in ClinVar:

NM_000173.7(GP1BA):c.1061C>G (p.Thr354Arg)

Gene: GP1BA (glycoprotein Ib platelet subunit alpha; plus strand). Cytogenetic location: 17p13.2.
Variant type: single nucleotide variant.
Coding change: c.1061C>G on transcript NM_000173.7 (MANE Select); coding-DNA position 1061, C replaced by G.
Protein change: p.Thr354Arg; replaces threonine 354 with arginine.
Molecular consequence: missense variant.
Genome position (GRCh38, 1-based): chr17:4,933,665, C>G. VCF-style: chr17-4933665-C-G. GRCh37 (hg19) VCF-style: chr17-4836960-C-G.
Other names: short protein forms T354R.
Identifiers: ClinVar variation 4879480 (VCV004879480.1).

ClinVar aggregate classification (germline): Uncertain significance (1 of 4 stars; one submission).

Conditions:
Bernard Soulier syndrome (BSS). Also called: BLEEDING DISORDER, PLATELET-TYPE, 1; Platelet Glycoprotein 1b, Deficiency of; GLYCOPROTEIN Ib, PLATELET, DEFICIENCY OF; PLATELET GLYCOPROTEIN Ib DEFICIENCY; VON WILLEBRAND FACTOR RECEPTOR DEFICIENCY; Giant platelet syndrome. Identifiers: Orphanet 274, MedGen C0005129, MeSH D001606, MONDO:0009276, OMIM 231200.
Pseudo von Willebrand disease (VWDP). Also called: BLEEDING DISORDER, PLATELET-TYPE, 3; Platelet-type von Willebrand disease. Identifiers: Orphanet 52530, MedGen C1280798, MONDO:0008332, OMIM 177820.

Submission:

Clinical Genomics Laboratory, Washington University in St. Louis
Classification: Uncertain significance for Pseudo von Willebrand disease; Bernard Soulier syndrome. Last evaluated: 2026-02-01. Review status: criteria provided, single submitter. Criteria: ACMG Guidelines, 2015. Collection method: clinical testing. Allele origin: germline.
Comment: The GP1BA c.1061C>G (p.Thr354Arg) variant, to our knowledge, has not been reported in the medical literature. This variant is only observed in 3/1613964 alleles in the general population (gnomAD v4.1.0), indicating it is not a common variant. Computational predictors suggest that the variant does not impact GP1BA function. Due to limited information, and based on the ClinGen Platelet Disorders Expert Panel Specifications to the ACMG/AMP Variant Interpretation Guidelines for GP1BA Version 1.1.0 (Ross JE et al., PMID: 33496739), the clinical significance of this variant is uncertain at this time.